The following is an entry in ClinVar:

ClinVar aggregate classification (germline): Uncertain significance (1 of 4 stars; one submission).

Conditions:
Combined immunodeficiency due to DOCK8 deficiency (HIES2). Also called: HIES autosomal recessive; HYPER-IgE RECURRENT INFECTION SYNDROME 2, AUTOSOMAL RECESSIVE; HYPER-IgE SYNDROME 2, AUTOSOMAL RECESSIVE, WITH RECURRENT INFECTIONS; Hyper-IgE recurrent infection syndrome, autosomal recessive; DOCK8 Deficiency. Identifiers: Orphanet 217390, MedGen C4722305, MONDO:0009478, OMIM 243700.

Submission:

Labcorp Genetics (formerly Invitae), Labcorp
Classification: Uncertain significance for Combined immunodeficiency due to DOCK8 deficiency. Last evaluated: 2022-07-06. Review status: criteria provided, single submitter. Criteria: Invitae Variant Classification Sherloc (09022015). Collection method: clinical testing. Allele origin: germline.
Comment: In summary, the available evidence is currently insufficient to determine the role of this variant in disease. Therefore, it has been classified as a Variant of Uncertain Significance. Algorithms developed to predict the effect of missense changes on protein structure and function are either unavailable or do not agree on the potential impact of this missense change (SIFT: "Deleterious"; PolyPhen-2: "Probably Damaging"; Align-GVGD: "Class C15"). ClinVar contains an entry for this variant (Variation ID: 1468359). This variant has not been reported in the literature in individuals affected with DOCK8-related conditions. This variant is not present in population databases (gnomAD no frequency). This sequence change replaces leucine, which is neutral and non-polar, with phenylalanine, which is neutral and non-polar, at codon 1089 of the DOCK8 protein (p.Leu1089Phe).

NM_203447.4(DOCK8):c.3265C>T (p.Leu1089Phe)

Gene: DOCK8 (dedicator of cytokinesis 8; plus strand). Cytogenetic location: 9p24.3.
Variant type: single nucleotide variant.
Coding change: c.3265C>T on transcript NM_203447.4 (MANE Select); coding-DNA position 3265, C replaced by T.
Protein change: p.Leu1089Phe; replaces leucine 1089 with phenylalanine.
Molecular consequence: missense variant.
Genome position (GRCh38, 1-based): chr9:404,948, C>T. VCF-style: chr9-404948-C-T. GRCh37 (hg19) VCF-style: chr9-404948-C-T.
Other names: c.2965C>T, p.Leu989Phe (NM_001190458.2); c.3061C>T, p.Leu1021Phe (NM_001193536.2); short protein forms L1089F, L989F, L1021F.
Identifiers: ClinVar variation 1468359 (VCV001468359.6), dbSNP rs2131534569, ClinGen allele CA372757711.
Genomic context (GRCh38, chr9:404,948, plus strand): 5'-TTTCATTCCTCTTTTCATTTTTCTTCCCAGCTGTCAGCCAAGCTCAGTAACCTTCCAACG[C>T]TCATTTCCATGAGGCTAGAGTTCCTGAGAATCCTCTGTAGCCATGAGCATTACCTCAATC-3'
Protein context (NP_982272.2, residues 1079-1099): LSAKLSNLPT[Leu1089Phe]ISMRLEFLRI